The following is an entry in ClinVar:

NM_002063.4(GLRA2):c.270G>A (p.Met90Ile)

Gene: GLRA2 (glycine receptor alpha 2; plus strand). Cytogenetic location: Xp22.2.
Variant type: single nucleotide variant.
Coding change: c.270G>A on transcript NM_002063.4 (MANE Select); coding-DNA position 270, G replaced by A.
Protein change: p.Met90Ile; replaces methionine 90 with isoleucine.
Molecular consequence: missense variant. On other transcripts: initiator codon variant (1), intron variant (1).
Genome position (GRCh38, 1-based): chrX:14,574,400, G>A. VCF-style: chrX-14574400-G-A. GRCh37 (hg19) VCF-style: chrX-14592522-G-A.
Other names: c.270G>A, p.Met90Ile (NM_001118885.2); c.3G>A, p.Met1Ile (NM_001171942.2); c.203-92G>A (NM_001118886.2); short protein forms M1I, M90I.
Identifiers: ClinVar variation 4882314 (VCV004882314.2).
Genomic context (GRCh38, chrX:14,574,400, plus strand): 5'-AGTAAACGTTACTTGCAATATTTTTATCAACAGTTTTGGATCAGTCACAGAAACGACCAT[G>A]GTAAGTGCTGCAATGCCACTGGCAAGAGAAAGACACAACTCAATTATGCTGTGAACACAA-3'
Protein context (NP_002054.1, residues 80-100): NSFGSVTETT[Met90Ile]DYRVNIFLRQ

ClinVar aggregate classification (germline): Uncertain significance (1 of 4 stars; one submission).

Conditions:
Intellectual developmental disorder, X-linked, syndromic, Pilorge type. Identifiers: MedGen C5676881, MONDO:0024772, OMIM 301076.

Submission:

Dasa
Classification: Uncertain significance for Intellectual developmental disorder, X-linked, syndromic, Pilorge type. Last evaluated: 2024-12-11. Review status: criteria provided, single submitter. Criteria: DASA Assertion Criteria. Collection method: clinical testing. Allele origin: germline.
Comment: NM_001171942.2(GLRA2):c.3G>A (p.Met1?) is a start-loss variant predicted to alter the translation initiation codon and impair normal protein translation. This variant is rare in population databases. Computational prediction algorithms are consistent with a deleterious effect. The currently available literature and clinical evidence are not sufficient to establish a definitive association between this variant and the reported condition. Therefore, this variant is classified as a variant of uncertain significance.